The following is an entry in ClinVar:

ClinVar aggregate classification (germline): Likely pathogenic (1 of 4 stars; one submission).

Conditions:
Axenfeld-Rieger syndrome type 3 (RIEG3). Also called: AXENFELD-RIEGER ANOMALY WITH CARDIAC DEFECTS AND/OR SENSORINEURAL HEARING LOSS. Identifiers: Orphanet 782, MedGen C2678503, MONDO:0011233, OMIM 602482.

Submission:

Labcorp Genetics (formerly Invitae), Labcorp
Classification: Likely pathogenic for Axenfeld-Rieger syndrome type 3. Last evaluated: 2024-12-09. Review status: criteria provided, single submitter. Criteria: Invitae Variant Classification Sherloc (09022015). Collection method: clinical testing. Allele origin: germline.
Comment: This sequence change replaces phenylalanine, which is neutral and non-polar, with valine, which is neutral and non-polar, at codon 162 of the FOXC1 protein (p.Phe162Val). This variant is not present in population databases (gnomAD no frequency). This missense change has been observed in individual(s) with Axenfeld-Rieger syndrome (internal data). In at least one individual the variant was observed to be de novo. An algorithm developed to predict the effect of missense changes on protein structure and function (PolyPhen-2) suggests that this variant is likely to be disruptive. This variant disrupts the p.Phe162 amino acid residue in FOXC1. Other variant(s) that disrupt this residue have been observed in individuals with FOXC1-related conditions (PMID: 35882526; internal data), which suggests that this may be a clinically significant amino acid residue. In summary, the currently available evidence indicates that the variant is pathogenic, but additional data are needed to prove that conclusively. Therefore, this variant has been classified as Likely Pathogenic.

Literature cited by the submitters: PubMed 35882526.

NM_001453.3(FOXC1):c.484T>G (p.Phe162Val)

Gene: FOXC1 (forkhead box C1; plus strand). Cytogenetic location: 6p25.3.
Variant type: single nucleotide variant.
Coding change: c.484T>G on transcript NM_001453.3 (MANE Select); coding-DNA position 484, T replaced by G.
Protein change: p.Phe162Val; replaces phenylalanine 162 with valine.
Molecular consequence: missense variant.
Genome position (GRCh38, 1-based): chr6:1,610,929, T>G. VCF-style: chr6-1610929-T-G. GRCh37 (hg19) VCF-style: chr6-1611164-T-G.
Other names: short protein forms F162V.
Identifiers: ClinVar variation 3662887 (VCV003662887.2).
Genomic context (GRCh38, chr6:1,610,929, plus strand): 5'-GACGACAAGAAGCCGGGCAAGGGCAGCTACTGGACGCTGGACCCGGACTCCTACAACATG[T>G]TCGAGAACGGCAGCTTCCTGCGGCGGCGGCGGCGCTTCAAGAAGAAGGACGCGGTGAAGG-3'
Protein context (NP_001444.2, residues 152-172): WTLDPDSYNM[Phe162Val]ENGSFLRRRR